The following is an entry in ClinVar:

ClinVar aggregate classification (germline): Likely benign. Review status: criteria provided, multiple submitters, no conflicts (2 of 4 stars). 3 submissions from 3 submitters: Likely benign (3). Last evaluated 2026-01-31.

Allele frequency attached by ClinVar (database versions not stated): gnomAD 0.00036 and 0.00040; gnomAD exomes 0.00034 and 0.00070; TOPMed 0.00037; ExAC 0.00043; 1000 Genomes Project 30x 0.00031; 1000 Genomes Project 0.00040; ESP Exome Variant Server 0.00092.
gnomAD v4.1: 1,091 of 1,611,242 alleles (0.068%); highest among the groups gnomAD compares: Non-Finnish European, 0.085%; 1 homozygote.

Submissions (3):

Labcorp Genetics (formerly Invitae), Labcorp
Classification: Likely benign. Last evaluated: 2026-01-31. Review status: criteria provided, single submitter. Criteria: Invitae Variant Classification Sherloc (09022015). Collection method: clinical testing. Allele origin: germline.

Blueprint Genetics
Classification: Likely benign. Last evaluated: 2024-08-28. Review status: criteria provided, single submitter. Criteria: ACMG Guidelines, 2015. Collection method: clinical testing. Allele origin: germline.

GeneDx
Classification: Likely benign. Last evaluated: 2016-06-14. Review status: criteria provided, single submitter. Criteria: GeneDx Variant Classification (06012015). Collection method: clinical testing. Allele origin: germline. Affected: yes.
Comment: This variant is considered likely benign or benign based on one or more of the following criteria: it is a conservative change, it occurs at a poorly conserved position in the protein, it is predicted to be benign by multiple in silico algorithms, and/or has population frequency not consistent with disease.

NM_001384140.1(PCDH15):c.3374-16G>A

Gene: PCDH15 (protocadherin related 15; minus strand). Cytogenetic location: 10q21.1.
Variant type: single nucleotide variant.
Coding change: c.3374-16G>A on transcript NM_001384140.1 (MANE Select); 16 bases into the intron before coding-DNA position 3374, G replaced by A.
Molecular consequence: intron variant.
Genome position (GRCh38, 1-based): chr10:53,903,386, C>T on the plus strand (G>A on the coding strand, the complement: PCDH15 is on the minus strand). VCF-style: chr10-53903386-C-T. GRCh37 (hg19) VCF-style: chr10-55663146-C-T.
Other names: c.3374-16G>A (NM_001354420.2, NM_001354429.2, NM_001142772.2 and 4 more transcripts); c.3389-16G>A (NM_001142771.2, NM_001142763.2); c.3395-16G>A (NM_001354411.2); c.3410-16G>A (NM_001142769.3); c.3308-16G>A (NM_001354404.2, NM_001142773.2, NM_001142768.2); c.3263-16G>A (NM_001142767.2); c.3161-16G>A (NM_001142765.2).
Identifiers: ClinVar variation 378324 (VCV000378324.11), dbSNP rs139684809, ClinGen allele CA5505683.
Genomic context (GRCh38, chr10:53,903,386, plus strand): 5'-GATTATTTTCATCCTGAATCTCAATGTATACTTTAGCTGTATTGCCTGGAGGACAAGAAA[C>T]GATGCATTTTTTATTGGTGGTTATTCATGGGGGAAAAAATGCACTGAAGTAAATATTTGC-3'